The following is an entry in ClinVar:

NM_004153.4(ORC1):c.2158C>T (p.Arg720Ter)

Gene: ORC1 (origin recognition complex subunit 1; minus strand). Cytogenetic location: 1p32.3.
Variant type: single nucleotide variant.
Coding change: c.2158C>T on transcript NM_004153.4 (MANE Select); coding-DNA position 2158, C replaced by T.
Protein change: p.Arg720Ter; replaces arginine 720 with a stop codon.
Molecular consequence: nonsense.
Genome position (GRCh38, 1-based): chr1:52,375,575, G>A on the plus strand (C>T on the coding strand, the complement: ORC1 is on the minus strand). VCF-style: chr1-52375575-G-A. GRCh37 (hg19) VCF-style: chr1-52841247-G-A.
Other names: c.2158C>T, p.Arg720Ter (NM_001190818.2); c.2143C>T, p.Arg715Ter (NM_001190819.2); short protein forms R720*, R715*.
Identifiers: ClinVar variation 5006822 (VCV005006822.2).
Genomic context (GRCh38, chr1:52,375,575, plus strand): 5'-GCTTCTGCTGGGAGAACTCACAGATCTCTGTGGCACGCCTGCAGATGTCCAGGCACCGTC[G>A]TGCATCTCCAGACAGTGCTGCTACCTACAAGAGGGAATATTTTATTCCTGAGGCCACCTT-3'

ClinVar aggregate classification (germline): Likely pathogenic (1 of 4 stars; one submission).

Conditions:
Meier-Gorlin syndrome 1 (MGORS1). Also called: EAR, PATELLA, SHORT STATURE SYNDROME. Identifiers: Orphanet 2554, MedGen C4552001, MONDO:0009143, OMIM 224690.

gnomAD v4.1: 5 of 1,613,916 alleles (0.00031%); highest among the groups gnomAD compares: African/African-American, 0.0013%; no homozygotes.

Submission:

Juno Genomics, Hangzhou Juno Genomics, Inc
Classification: Likely pathogenic for Meier-Gorlin syndrome 1. Review status: criteria provided, single submitter. Criteria: ACMG Guidelines, 2015. Collection method: clinical testing. Allele origin: germline.
Comment: Null variant in a gene where loss of function (LOF) is a known mechanism of disease.;Absent from controls (or at extremely low frequency if recessive) in Genome Aggregation Database.